The following is an entry in ClinVar:

NM_001113491.2(SEPTIN9):c.1711G>A (p.Ala571Thr)

Gene: SEPTIN9 (septin 9; plus strand). Cytogenetic location: 17q25.3.
Variant type: single nucleotide variant.
Coding change: c.1711G>A on transcript NM_001113491.2 (MANE Select); coding-DNA position 1711, G replaced by A.
Protein change: p.Ala571Thr; replaces alanine 571 with threonine.
Molecular consequence: missense variant.
Genome position (GRCh38, 1-based): chr17:77,498,608, G>A. VCF-style: chr17-77498608-G-A. GRCh37 (hg19) VCF-style: chr17-75494690-G-A.
Other names: c.1219G>A, p.Ala407Thr (NM_001113492.2, NM_001113494.1); c.1690G>A, p.Ala564Thr (NM_001113493.2); c.958G>A, p.Ala320Thr (NM_001113495.2, NM_001113496.2, NM_001293697.2 and 1 more transcripts); c.1654G>A, p.Ala552Thr (NM_001293695.2); c.1039G>A, p.Ala347Thr (NM_001293696.2); c.1657G>A, p.Ala553Thr (NM_006640.5); c.1657G>A (NM_006640.4); short protein forms A571T, A320T, A347T, A407T, A552T, A553T, A564T.
Identifiers: ClinVar variation 2892793 (VCV002892793.4), dbSNP rs773416606, ClinGen allele CA8793918.

ClinVar aggregate classification (germline): Uncertain significance. Review status: criteria provided, multiple submitters, no conflicts (2 of 4 stars). 2 submissions from 2 submitters: Uncertain significance (2). Last evaluated 2025-11-11.

Conditions:
Inborn genetic diseases. Identifiers: MedGen C0950123, MeSH D030342.

Allele frequency attached by ClinVar (database versions not stated): TOPMed 0.00001; ExAC 0.00003.
gnomAD v4.1: 28 of 1,610,334 alleles (0.0017%); highest among the groups gnomAD compares: South Asian, 0.0044%; 1 homozygote.

Submissions (2):

Ambry Genetics
Classification: Uncertain significance for Inborn genetic diseases. Last evaluated: 2025-11-11. Review status: criteria provided, single submitter. Criteria: Ambry Variant Classification Scheme 2023. Collection method: clinical testing. Allele origin: germline.

Labcorp Genetics (formerly Invitae), Labcorp
Classification: Uncertain significance. Last evaluated: 2024-10-30. Review status: criteria provided, single submitter. Criteria: Invitae Variant Classification Sherloc (09022015). Collection method: clinical testing. Allele origin: germline.
Comment: This sequence change replaces alanine, which is neutral and non-polar, with threonine, which is neutral and polar, at codon 553 of the SEPT9 protein (p.Ala553Thr). The frequency data for this variant in the population databases is considered unreliable, as metrics indicate poor data quality at this position in the gnomAD database. This variant has not been reported in the literature in individuals affected with SEPT9-related conditions. ClinVar contains an entry for this variant (Variation ID: 2892793). Invitae Evidence Modeling of protein sequence and biophysical properties (such as structural, functional, and spatial information, amino acid conservation, physicochemical variation, residue mobility, and thermodynamic stability) indicates that this missense variant is not expected to disrupt SEPT9 protein function with a negative predictive value of 80%. In summary, the available evidence is currently insufficient to determine the role of this variant in disease. Therefore, it has been classified as a Variant of Uncertain Significance.